The following is an entry in ClinVar:

NM_014049.5(ACAD9):c.150+8G>A

Gene: ACAD9 (acyl-CoA dehydrogenase family member 9; plus strand). Cytogenetic location: 3q21.3.
Variant type: single nucleotide variant.
Coding change: c.150+8G>A on transcript NM_014049.5 (MANE Select); 8 bases into the intron after coding-DNA position 150, G replaced by A.
Molecular consequence: intron variant. On other transcripts: non-coding transcript variant (1).
Genome position (GRCh38, 1-based): chr3:128,879,849, G>A. VCF-style: chr3-128879849-G-A. GRCh37 (hg19) VCF-style: chr3-128598692-G-A.
Other names: p.?.
Identifiers: ClinVar variation 380987 (VCV000380987.11), dbSNP rs528508645, ClinGen allele CA2601029.

ClinVar aggregate classification (germline): Likely benign. Review status: criteria provided, multiple submitters, no conflicts (2 of 4 stars). 3 submissions from 3 submitters: Likely benign (3). Last evaluated 2025-12-15.

Allele frequency attached by ClinVar (database versions not stated): gnomAD exomes 0.00001 and 0.00004; ExAC 0.00004; gnomAD 0.00011; TOPMed 0.00014; 1000 Genomes Project 30x 0.00031; 1000 Genomes Project 0.00040.
gnomAD v4.1: 30 of 1,613,936 alleles (0.0019%); highest among the groups gnomAD compares: African/African-American, 0.033%; no homozygotes.

Submissions (3):

Labcorp Genetics (formerly Invitae), Labcorp
Classification: Likely benign. Last evaluated: 2025-12-15. Review status: criteria provided, single submitter. Criteria: Invitae Variant Classification Sherloc (09022015). Collection method: clinical testing. Allele origin: germline.

Mayo Clinic Laboratories, Mayo Clinic
Classification: Likely benign. Last evaluated: 2025-10-21. Review status: criteria provided, single submitter. Criteria: ACMG Guidelines, 2015. Collection method: clinical testing. Allele origin: germline. Observed: 2 variant alleles.
Comment: BP4, BP7

GeneDx
Classification: Likely benign. Last evaluated: 2015-10-19. Review status: criteria provided, single submitter. Criteria: GeneDx Variant Classification (06012015). Collection method: clinical testing. Allele origin: germline. Affected: yes.
Comment: This variant is considered likely benign or benign based on one or more of the following criteria: it is a conservative change, it occurs at a poorly conserved position in the protein, it is predicted to be benign by multiple in silico algorithms, and/or has population frequency not consistent with disease.